The following is an entry in ClinVar:

NM_015570.4(AUTS2):c.2406G>A (p.Ser802=)

Gene: AUTS2 (activator of transcription and developmental regulator AUTS2; plus strand). Cytogenetic location: 7q11.22.
Variant type: single nucleotide variant.
Coding change: c.2406G>A on transcript NM_015570.4 (MANE Select); coding-DNA position 2406, G replaced by A.
Protein change: p.Ser802=; no amino-acid change (serine 802 retained).
Molecular consequence: synonymous variant.
Genome position (GRCh38, 1-based): chr7:70,787,306, G>A. VCF-style: chr7-70787306-G-A. GRCh37 (hg19) VCF-style: chr7-70252292-G-A.
Other names: c.2334G>A, p.Ser778= (NM_001127231.3).
Identifiers: ClinVar variation 3058025 (VCV003058025.3), dbSNP rs748478664, ClinGen allele CA4281059.

ClinVar aggregate classification (germline): Likely benign. Review status: criteria provided, single submitter (1 of 4 stars). 2 submissions from 2 submitters: Likely benign (1). 1 of the submissions does not count toward it. Last evaluated 2025-06-11.

Conditions:
AUTS2-related disorder. Also called: AUTS2-related condition.

Allele frequency attached by ClinVar (database versions not stated): gnomAD 0.00001; gnomAD exomes 0.00001; ExAC 0.00002; TOPMed 0.00002.
gnomAD v4.1: 20 of 1,614,118 alleles (0.0012%); highest among the groups gnomAD compares: Non-Finnish European, 0.0016%; no homozygotes.

Submissions (2):

Labcorp Genetics (formerly Invitae), Labcorp
Classification: Likely benign. Last evaluated: 2025-06-11. Review status: criteria provided, single submitter. Criteria: Invitae Variant Classification Sherloc (09022015). Collection method: clinical testing. Allele origin: germline.

PreventionGenetics, part of Exact Sciences
Classification: Likely benign for AUTS2-related condition. Last evaluated: 2019-03-28. Review status: no assertion criteria provided. Collection method: clinical testing. Allele origin: germline. Not counted in ClinVar's aggregate classification.
Comment: This variant is classified as likely benign based on ACMG/AMP sequence variant interpretation guidelines (Richards et al. 2015 PMID: 25741868, with internal and published modifications).